The following is an entry in ClinVar:

ClinVar aggregate classification (germline): Uncertain significance. Review status: criteria provided, multiple submitters, no conflicts (2 of 4 stars). 3 submissions from 3 submitters: Uncertain significance (2). 1 of the submissions does not count toward it. Last evaluated 2024-12-27.

Conditions:
Multiple sclerosis. Identifiers: MedGen C0026769, MONDO:0005301.
Epidermolysis bullosa simplex 5B, with muscular dystrophy (EBS5B). Also called: EPIDERMOLYSIS BULLOSA SIMPLEX AND LIMB-GIRDLE MUSCULAR DYSTROPHY; Epidermolysis bullosa simplex with muscular dystrophy. Identifiers: Orphanet 257, MedGen C2931072, MONDO:0009181, OMIM 226670.
Epidermolysis bullosa simplex 5C, with pyloric atresia (EBS5C). Also called: Epidermolysis bullosa simplex with pyloric atresia; PLEC-Related Epidermolysis Bullosa with Pyloric Atresia; PLEC1-Related Epidermolysis Bullosa with Pyloric Atresia. Identifiers: Orphanet 158684, MedGen C2677349, MONDO:0012807, OMIM 612138.
Epidermolysis bullosa simplex with nail dystrophy (EBS5D). Identifiers: MedGen C4225309, MONDO:0014661, OMIM 616487.
Autosomal recessive limb-girdle muscular dystrophy type 2Q (LGMDR17). Also called: MUSCULAR DYSTROPHY, LIMB-GIRDLE, AUTOSOMAL RECESSIVE 17. Identifiers: Orphanet 254361, MedGen C3150989, MONDO:0013390, OMIM 613723.
Epidermolysis bullosa simplex, Ogna type (EBS5A). Also called: Pidermolysis bullosa simplex 5A, Ogna type; EPIDERMOLYSIS BULLOSA SIMPLEX 5A, OGNA TYPE. Identifiers: Orphanet 79401, MedGen C0432317, MONDO:0007555, OMIM 131950.

Allele frequency attached by ClinVar (database versions not stated): ExAC 0.00001; gnomAD exomes 0.00001; gnomAD 0.00002.
gnomAD v4.1: 24 of 1,606,958 alleles (0.0015%); highest among the groups gnomAD compares: Admixed American, 0.0083%; no homozygotes.

Submissions (3):

GeneDx
Classification: Uncertain significance. Last evaluated: 2024-12-27. Review status: criteria provided, single submitter. Criteria: GeneDx Variant Classification Process June 2021. Collection method: clinical testing. Allele origin: germline. Affected: yes.
Comment: Not observed at significant frequency in large population cohorts (gnomAD); In silico analysis supports that this missense variant has a deleterious effect on protein structure/function; Missense variant in a gene in which most reported pathogenic variants are truncating/loss of function; Has not been previously published as pathogenic or benign to our knowledge

Labcorp Genetics (formerly Invitae), Labcorp
Classification: Uncertain significance for Autosomal recessive limb-girdle muscular dystrophy type 2Q; Epidermolysis bullosa simplex, Ogna type; Epidermolysis bullosa simplex with nail dystrophy; Epidermolysis bullosa simplex 5C, with pyloric atresia; Epidermolysis bullosa simplex 5B, with muscular dystrophy. Last evaluated: 2024-10-15. Review status: criteria provided, single submitter. Criteria: Invitae Variant Classification Sherloc (09022015). Collection method: clinical testing. Allele origin: germline.
Comment: This sequence change replaces arginine, which is basic and polar, with cysteine, which is neutral and slightly polar, at codon 4273 of the PLEC protein (p.Arg4273Cys). This variant is present in population databases (rs782080936, gnomAD 0.009%). This variant has not been reported in the literature in individuals affected with PLEC-related conditions. ClinVar contains an entry for this variant (Variation ID: 2063149). Invitae Evidence Modeling of protein sequence and biophysical properties (such as structural, functional, and spatial information, amino acid conservation, physicochemical variation, residue mobility, and thermodynamic stability) has been performed for this missense variant. However, the output from this modeling did not meet the statistical confidence thresholds required to predict the impact of this variant on PLEC protein function. In summary, the available evidence is currently insufficient to determine the role of this variant in disease. Therefore, it has been classified as a Variant of Uncertain Significance.

Department of Molecular Biology and Genetics, Acibadem University
Classification: Likely pathogenic for Multiple sclerosis. Last evaluated: 2024-06-10. Review status: no assertion criteria provided. Collection method: research. Allele origin: germline. Affected: yes. Not counted in ClinVar's aggregate classification.

NM_201384.3(PLEC):c.12736C>T (p.Arg4246Cys)

Gene: PLEC (plectin; minus strand). Cytogenetic location: 8q24.3.
Variant type: single nucleotide variant.
Coding change: c.12736C>T on transcript NM_201384.3 (MANE Select); coding-DNA position 12736, C replaced by T.
Protein change: p.Arg4246Cys; replaces arginine 4246 with cysteine.
Molecular consequence: missense variant.
Genome position (GRCh38, 1-based): chr8:143,917,085, G>A on the plus strand (C>T on the coding strand, the complement: PLEC is on the minus strand). VCF-style: chr8-143917085-G-A. GRCh37 (hg19) VCF-style: chr8-144991253-G-A.
Other names: c.12817C>T, p.Arg4273Cys (NM_000445.5); c.9436C>T, p.Arg3146Cys (NM_001410941.1); c.12694C>T, p.Arg4232Cys (NM_201378.4); c.12670C>T, p.Arg4224Cys (NM_201379.3); c.13147C>T, p.Arg4383Cys (NM_201380.4); c.12640C>T, p.Arg4214Cys (NM_201381.3); c.12736C>T, p.Arg4246Cys (NM_201382.4); c.12748C>T, p.Arg4250Cys (NM_201383.3); and 1 more; short protein forms R4232C, R4224C, R4214C, R4250C, R4273C, R3146C, R4246C, R4383C.
Identifiers: ClinVar variation 2063149 (VCV002063149.6), dbSNP rs782080936, ClinGen allele CA4923994.